The following is an entry in ClinVar:

NM_004646.4(NPHS1):c.2542A>C (p.Lys848Gln)

Gene: NPHS1 (NPHS1 adhesion molecule, nephrin; minus strand). Cytogenetic location: 19q13.12.
Variant type: single nucleotide variant.
Coding change: c.2542A>C on transcript NM_004646.4 (MANE Select); coding-DNA position 2542, A replaced by C.
Protein change: p.Lys848Gln; replaces lysine 848 with glutamine.
Molecular consequence: missense variant.
Genome position (GRCh38, 1-based): chr19:35,842,245, T>G on the plus strand (A>C on the coding strand, the complement: NPHS1 is on the minus strand). VCF-style: chr19-35842245-T-G. GRCh37 (hg19) VCF-style: chr19-36333147-T-G.
Other names: short protein forms K848Q.
Identifiers: ClinVar variation 3338966 (VCV003338966.1).

ClinVar aggregate classification (germline): Uncertain significance (1 of 4 stars; one submission).

Submission:

Women's Health and Genetics/Laboratory Corporation of America, LabCorp
Classification: Uncertain significance. Last evaluated: 2024-07-10. Review status: criteria provided, single submitter. Criteria: LabCorp Variant Classification Summary - May 2015. Collection method: clinical testing. Allele origin: germline.
Comment: Variant summary: NPHS1 c.2542A>C (p.Lys848Gln) results in a conservative amino acid change located in the Immunoglobulin subtype (IPR003599) of the encoded protein sequence. Three of five in-silico tools predict a benign effect of the variant on protein function. The variant was absent in 249426 control chromosomes. The available data on variant occurrences in the general population are insufficient to allow any conclusion about variant significance. c.2542A>C has been reported in the literature in the presumed compound heterozygous state in at least 1 individual affected with clinical features of Nephrotic Syndrome, Type 1 (example, Cil_2015, Sadowski_2015). These data do not allow any conclusion about variant significance. To our knowledge, no experimental evidence demonstrating an impact on protein function has been reported. The following publications have been ascertained in the context of this evaluation (PMID: 25720465, 25349199). No submitters have cited clinical-significance assessments for this variant to ClinVar. Based on the evidence outlined above, the variant was classified as uncertain significance.

Literature cited by the submitters: PubMed 25349199; PubMed 25720465.